The following is an entry in ClinVar:

NM_005876.5(SPEG):c.8619G>A (p.Lys2873=)

Genes: ASIC4-AS1 (ASIC4 antisense RNA 1; minus strand), SPEG (striated muscle enriched protein kinase; plus strand). Cytogenetic location: 2q35.
Variant type: single nucleotide variant.
Coding change: c.8619G>A on transcript NM_005876.5 (MANE Select); coding-DNA position 8619, G replaced by A.
Protein change: p.Lys2873=; no amino-acid change (lysine 2873 retained).
Molecular consequence: synonymous variant.
Genome position (GRCh38, 1-based): chr2:219,489,637, G>A. VCF-style: chr2-219489637-G-A. GRCh37 (hg19) VCF-style: chr2-220354359-G-A.
Other names: p.Lys2873=.
Identifiers: ClinVar variation 712977 (VCV000712977.13), dbSNP rs192326487, ClinGen allele CA2127534.

ClinVar aggregate classification (germline): Benign. Review status: criteria provided, multiple submitters, no conflicts (2 of 4 stars). 3 submissions from 3 submitters: Benign (2). 1 of the submissions does not count toward it. Last evaluated 2026-01-27.

Conditions:
SPEG-related disorder. Also called: SPEG-related condition.

Allele frequency attached by ClinVar (database versions not stated): gnomAD exomes 0.00103 and 0.00233; ExAC 0.00292; 1000 Genomes Project 30x 0.00796; gnomAD 0.00937 and 0.00865; TOPMed 0.01005; 1000 Genomes Project 0.00799; ESP Exome Variant Server 0.00927.

Submissions (3):

Labcorp Genetics (formerly Invitae), Labcorp
Classification: Benign. Last evaluated: 2026-01-27. Review status: criteria provided, single submitter. Criteria: Invitae Variant Classification Sherloc (09022015). Collection method: clinical testing. Allele origin: germline.

Mayo Clinic Laboratories, Mayo Clinic
Classification: Benign. Last evaluated: 2019-09-27. Review status: criteria provided, single submitter. Criteria: ACMG Guidelines, 2015. Collection method: clinical testing. Allele origin: germline. Observed: 3 variant alleles.

PreventionGenetics, part of Exact Sciences
Classification: Benign for SPEG-related condition. Last evaluated: 2019-05-29. Review status: no assertion criteria provided. Collection method: clinical testing. Allele origin: germline. Not counted in ClinVar's aggregate classification.
Comment: This variant is classified as benign based on ACMG/AMP sequence variant interpretation guidelines (Richards et al. 2015 PMID: 25741868, with internal and published modifications).